The following is an entry in ClinVar:

ClinVar aggregate classification (germline): Benign/Likely benign. Review status: criteria provided, multiple submitters, no conflicts (2 of 4 stars). 5 submissions from 5 submitters: Benign (4); Likely benign (1). Last evaluated 2026-02-04.

Allele frequency attached by ClinVar (database versions not stated): 1000 Genomes Project 30x 0.01046; 1000 Genomes Project 0.01078; ESP Exome Variant Server 0.02589; TOPMed 0.02648; gnomAD 0.03000 and 0.03051; gnomAD exomes 0.03177 and 0.04016; ExAC 0.04911.
gnomAD v4.1: 61,304 of 1,572,632 alleles (3.9%); highest among the groups gnomAD compares: Non-Finnish European, 4.4%; 1,340 homozygotes.

Submissions (5):

Labcorp Genetics (formerly Invitae), Labcorp
Classification: Benign. Last evaluated: 2026-02-04. Review status: criteria provided, single submitter. Criteria: Invitae Variant Classification Sherloc (09022015). Collection method: clinical testing. Allele origin: germline.

Blueprint Genetics
Classification: Likely benign. Last evaluated: 2024-11-28. Review status: criteria provided, single submitter. Criteria: ACMG Guidelines, 2015. Collection method: clinical testing. Allele origin: germline.

GeneDx
Classification: Benign. Last evaluated: 2015-03-03. Review status: criteria provided, single submitter. Criteria: GeneDx Variant Classification Process June 2021. Collection method: clinical testing. Allele origin: germline. Affected: yes.
Comment: This variant is associated with the following publications: (PMID: 21205713, 20981092, 9410898, 27884173)

Laboratory for Molecular Medicine, Mass General Brigham Personalized Medicine
Classification: Benign. Last evaluated: 2014-11-26. Review status: criteria provided, single submitter. Criteria: LMM Criteria. Collection method: clinical testing. Allele origin: germline. Observed: 1 variant allele.
Comment: p.Pro603Thr in exon 14 of CSF2RB: This variant is not expected to have clinical significance because it has been identified in 3.6% (305/8368) of European Ameri can chromosomes by the NHLBI Exome Sequencing Project (. edu/EVS/; dbSNP rs1801122).

Breakthrough Genomics
Classification: Benign. Review status: criteria provided, single submitter. Criteria: ACMG Guidelines, 2015. Collection method: not provided. Allele origin: germline. Inheritance: Autosomal recessive inheritance. Affected: yes.

Literature cited by the submitters: PubMed 9410898 (cited by Laboratory for Molecular Medicine, Mass General Brigham Personalized Medicine); PubMed 21205713 (cited by Laboratory for Molecular Medicine, Mass General Brigham Personalized Medicine); PubMed 21075760 (cited by Laboratory for Molecular Medicine, Mass General Brigham Personalized Medicine); PubMed 21247258 (cited by Laboratory for Molecular Medicine, Mass General Brigham Personalized Medicine).

NM_000395.3(CSF2RB):c.1807C>A (p.Pro603Thr)

Gene: CSF2RB (colony stimulating factor 2 receptor subunit beta; plus strand). Cytogenetic location: 22q12.3.
Variant type: single nucleotide variant.
Coding change: c.1807C>A on transcript NM_000395.3 (MANE Select); coding-DNA position 1807, C replaced by A.
Protein change: p.Pro603Thr; replaces proline 603 with threonine.
Molecular consequence: missense variant.
Genome position (GRCh38, 1-based): chr22:36,937,615, C>A. VCF-style: chr22-36937615-C-A. GRCh37 (hg19) VCF-style: chr22-37333657-C-A.
Other names: short protein forms P603T.
Identifiers: ClinVar variation 504754 (VCV000504754.16), dbSNP rs1801122, ClinGen allele CA10213983.